The following is an entry in ClinVar:

NM_194318.4(B3GLCT):c.270G>A (p.Gln90=)

Gene: B3GLCT (beta 3-glucosyltransferase; plus strand). Cytogenetic location: 13q12.3.
Variant type: single nucleotide variant.
Coding change: c.270G>A on transcript NM_194318.4 (MANE Select); coding-DNA position 270, G replaced by A.
Protein change: p.Gln90=; no amino-acid change (glutamine 90 retained).
Molecular consequence: synonymous variant.
Genome position (GRCh38, 1-based): chr13:31,229,294, G>A. VCF-style: chr13-31229294-G-A. GRCh37 (hg19) VCF-style: chr13-31803431-G-A.
Identifiers: ClinVar variation 4716652 (VCV004716652.1).

ClinVar aggregate classification (germline): Uncertain significance (1 of 4 stars; one submission).

Conditions:
Peters plus syndrome. Also called: KRAUSE-KIVLIN SYNDROME. Identifiers: Orphanet 709, MedGen C0796012, MONDO:0009856, OMIM 261540.

Submission:

Labcorp Genetics (formerly Invitae), Labcorp
Classification: Uncertain significance for Peters plus syndrome. Last evaluated: 2025-10-12. Review status: criteria provided, single submitter. Criteria: Invitae Variant Classification Sherloc (09022015). Collection method: clinical testing. Allele origin: germline.
Comment: This sequence change affects codon 90 of the B3GLCT mRNA. It is a 'silent' change, meaning that it does not change the encoded amino acid sequence of the B3GLCT protein. This variant also falls at the last nucleotide of exon 4, which is part of the consensus splice site for this exon. This variant is not present in population databases (gnomAD no frequency). This variant has not been reported in the literature in individuals affected with B3GLCT-related conditions. Variants that disrupt the consensus splice site are a relatively common cause of aberrant splicing (PMID: 17576681, 9536098). Algorithms developed to predict the effect of sequence changes on RNA splicing suggest that this variant is not likely to affect RNA splicing. In summary, the available evidence is currently insufficient to determine the role of this variant in disease. Therefore, it has been classified as a Variant of Uncertain Significance.

Literature cited by the submitters: PubMed 17576681; PubMed 9536098.